The following is an entry in ClinVar:

NM_000785.4(CYP27B1):c.374G>A (p.Gly125Glu)

Gene: CYP27B1 (cytochrome P450 family 27 subfamily B member 1; minus strand). Cytogenetic location: 12q14.1.
Variant type: single nucleotide variant.
Coding change: c.374G>A on transcript NM_000785.4 (MANE Select); coding-DNA position 374, G replaced by A.
Protein change: p.Gly125Glu; replaces glycine 125 with glutamic acid.
Molecular consequence: missense variant.
Genome position (GRCh38, 1-based): chr12:57,766,019, C>T on the plus strand (G>A on the coding strand, the complement: CYP27B1 is on the minus strand). VCF-style: chr12-57766019-C-T. GRCh37 (hg19) VCF-style: chr12-58159802-C-T.
Other names: c.374G>A (NM_000785.3); short protein forms G125E.
Identifiers: ClinVar variation 1659 (VCV000001659.2), dbSNP rs28934605, ClinGen allele CA115125.
Genomic context (GRCh38, chr12:57,766,019, plus strand): 5'-GAGGGCCGCTGCAGGGCGTCTGGGCTTCTGGGGGCAGAGAAGACTCACGCAGTGAGCAGT[C>T]CGCAAGCCCGCTGGCGGCAGCGGCGGTGCTCCGTCCAGGGCGAGAAGCTGCAGCGCTCGG-3'
Protein context (NP_000776.1, residues 115-135): EHRRCRQRAC[Gly125Glu]LLTAEGEEWQ

ClinVar aggregate classification (germline): Likely pathogenic. Review status: criteria provided, single submitter (1 of 4 stars). 2 submissions from 2 submitters: Likely pathogenic (1). 1 of the submissions does not count toward it. Last evaluated 2023-08-02.

Conditions:
Vitamin D-dependent rickets, type 1A. Also called: PSEUDOVITAMIN D-DEFICIENCY RICKETS, TYPE IA; PDDR IA; VITAMIN D HYDROXYLATION-DEFICIENT RICKETS, TYPE 1A. Identifiers: MedGen CN283242, MONDO:0020723, OMIM 264700.

Allele frequency attached by ClinVar (database versions not stated): gnomAD exomes below 0.00001.
gnomAD v4.1: 2 of 1,572,128 alleles (0.00013%); highest among the groups gnomAD compares: East Asian, 0.0023%; no homozygotes.

Submissions (2):

Women's Health and Genetics/Laboratory Corporation of America, LabCorp
Classification: Likely pathogenic for Vitamin D-dependent rickets, type 1A. Last evaluated: 2023-08-02. Review status: criteria provided, single submitter. Criteria: LabCorp Variant Classification Summary - May 2015. Collection method: clinical testing. Allele origin: germline.
Comment: Variant summary: CYP27B1 c.374G>A (p.Gly125Glu) results in a non-conservative amino acid change in the encoded protein sequence. This alters a conserved residue (HGMD) in which another missense variant (p.Gly125Arg) has been classified as likely pathogenic by a ClinVar submitters, suggesting this may be a functionally important amino acid. Five of five in-silico tools predict a damaging effect of the variant on protein function. The variant was absent in 177120 control chromosomes (gnomAD). c.374G>A has been reported in the literature in a homozygous individual affected with pseudovitamin D-dependent rickets (Kitanaka_1998). These data indicate that the variant may be associated with disease. At least one publication reports experimental evidence evaluating an impact on protein function, finding that the variant protein had no 1alpha-hydroxylase activity (Kitanaka_1998). The following publication has been ascertained in the context of this evaluation (PMID: 9486994). No submitters have cited clinical-significance assessments for this variant to ClinVar after 2014. Based on the evidence outlined above, the variant was classified as likely pathogenic.

OMIM
Classification: Pathogenic for VITAMIN D HYDROXYLATION-DEFICIENT RICKETS, TYPE 1A. Last evaluated: 1998-03-05. Review status: no assertion criteria provided. Collection method: literature only. Allele origin: germline. Not counted in ClinVar's aggregate classification.

Literature cited by the submitters: PubMed 9486994 (cited by Women's Health and Genetics/Laboratory Corporation of America, LabCorp and OMIM).